The following is an entry in ClinVar:

NM_007272.3(CTRC):c.752T>C (p.Val251Ala)

Gene: CTRC (chymotrypsin C; plus strand). Cytogenetic location: 1p36.21.
Variant type: single nucleotide variant.
Coding change: c.752T>C on transcript NM_007272.3 (MANE Select); coding-DNA position 752, T replaced by C.
Protein change: p.Val251Ala; replaces valine 251 with alanine.
Molecular consequence: missense variant.
Genome position (GRCh38, 1-based): chr1:15,445,709, T>C. VCF-style: chr1-15445709-T-C. GRCh37 (hg19) VCF-style: chr1-15772204-T-C.
Other names: short protein forms V251A.
Identifiers: ClinVar variation 618055 (VCV000618055.13), dbSNP rs1175956798, ClinGen allele CA338567904.

ClinVar aggregate classification (germline): Uncertain significance. Review status: criteria provided, multiple submitters, no conflicts (2 of 4 stars). 3 submissions from 3 submitters: Uncertain significance (3). Last evaluated 2025-01-23.

Conditions:
Hereditary pancreatitis (PCTT). Also called: Hereditary chronic pancreatitis; PRSS1-Related Hereditary Pancreatitis. Identifiers: Orphanet 676, MedGen C0238339, MONDO:0008185, OMIM 167800.

Allele frequency attached by ClinVar (database versions not stated): gnomAD 0.00001; gnomAD exomes 0.00001; TOPMed 0.00001.

Submissions (3):

Labcorp Genetics (formerly Invitae), Labcorp
Classification: Uncertain significance for Hereditary pancreatitis. Last evaluated: 2025-01-23. Review status: criteria provided, single submitter. Criteria: Invitae Variant Classification Sherloc (09022015). Collection method: clinical testing. Allele origin: germline.
Comment: This sequence change replaces valine, which is neutral and non-polar, with alanine, which is neutral and non-polar, at codon 251 of the CTRC protein (p.Val251Ala). This variant is present in population databases (no rsID available, gnomAD 0.007%). This variant has not been reported in the literature in individuals affected with CTRC-related conditions. ClinVar contains an entry for this variant (Variation ID: 618055). Invitae Evidence Modeling of protein sequence and biophysical properties (such as structural, functional, and spatial information, amino acid conservation, physicochemical variation, residue mobility, and thermodynamic stability) has been performed for this missense variant. However, the output from this modeling did not meet the statistical confidence thresholds required to predict the impact of this variant on CTRC protein function. In summary, the available evidence is currently insufficient to determine the role of this variant in disease. Therefore, it has been classified as a Variant of Uncertain Significance.

Institute for Clinical Genetics, University Hospital TU Dresden, University Hospital TU Dresden
Classification: Uncertain significance. Last evaluated: 2021-11-03. Review status: criteria provided, single submitter. Criteria: ACMG Guidelines, 2015. Collection method: clinical testing. Allele origin: germline.

ARUP Laboratories, Molecular Genetics and Genomics, ARUP Laboratories
Classification: Uncertain significance. Last evaluated: 2017-10-13. Review status: criteria provided, single submitter. Criteria: ARUP Molecular Germline Variant Investigation Process. Collection method: clinical testing. Allele origin: germline.